The following is an entry in ClinVar:

ClinVar aggregate classification (germline): Uncertain significance (1 of 4 stars; one submission).

Submission:

Ambry Genetics
Classification: Uncertain significance. Last evaluated: 2024-02-25. Review status: criteria provided, single submitter. Criteria: Ambry Variant Classification Scheme 2023. Collection method: clinical testing. Allele origin: germline.
Comment: The p.H253P variant (also known as c.758A>C), located in coding exon 1 of the PALLD gene, results from an A to C substitution at nucleotide position 758. The histidine at codon 253 is replaced by proline, an amino acid with similar properties. This amino acid position is conserved. In addition, this alteration is predicted to be tolerated by in silico analysis. Since supporting evidence is limited at this time, the clinical significance of this alteration remains unclear.

NM_001166108.2(PALLD):c.758A>C (p.His253Pro)

Gene: PALLD (palladin, cytoskeletal associated protein; plus strand). Cytogenetic location: 4q32.3.
Variant type: single nucleotide variant.
Coding change: c.758A>C on transcript NM_001166108.2 (MANE Select); coding-DNA position 758, A replaced by C.
Protein change: p.His253Pro; replaces histidine 253 with proline.
Molecular consequence: missense variant.
Genome position (GRCh38, 1-based): chr4:168,512,262, A>C. VCF-style: chr4-168512262-A-C. GRCh37 (hg19) VCF-style: chr4-169433413-A-C.
Other names: c.758A>C, p.His253Pro (NM_016081.4); short protein forms H253P.
Identifiers: ClinVar variation 1759642 (VCV001759642.2), dbSNP rs2531436406, ClinGen allele CA358728236.